The following is an entry in ClinVar:

ClinVar aggregate classification (germline): Uncertain significance (1 of 4 stars; one submission).

Conditions:
Brugada syndrome 8 (BRGDA8). Identifiers: Orphanet 130, MedGen C2751083, MONDO:0013148, OMIM 613123.

Allele frequency attached by ClinVar (database versions not stated): gnomAD exomes below 0.00001 and 0.00001.
gnomAD v4.1: 1 of 1,448,708 alleles (0.000069%); highest among the groups gnomAD compares: Non-Finnish European, 0.000091%; no homozygotes.

Submission:

Labcorp Genetics (formerly Invitae), Labcorp
Classification: Uncertain significance for Brugada syndrome 8. Last evaluated: 2024-09-14. Review status: criteria provided, single submitter. Criteria: Invitae Variant Classification Sherloc (09022015). Collection method: clinical testing. Allele origin: germline.
Comment: This sequence change replaces arginine, which is basic and polar, with glycine, which is neutral and non-polar, at codon 1036 of the HCN4 protein (p.Arg1036Gly). The frequency data for this variant in the population databases is considered unreliable, as metrics indicate poor data quality at this position in the gnomAD database. This variant has not been reported in the literature in individuals affected with HCN4-related conditions. ClinVar contains an entry for this variant (Variation ID: 1523211). Invitae Evidence Modeling of protein sequence and biophysical properties (such as structural, functional, and spatial information, amino acid conservation, physicochemical variation, residue mobility, and thermodynamic stability) indicates that this missense variant is not expected to disrupt HCN4 protein function with a negative predictive value of 95%. In summary, the available evidence is currently insufficient to determine the role of this variant in disease. Therefore, it has been classified as a Variant of Uncertain Significance.

NM_005477.3(HCN4):c.3106A>G (p.Arg1036Gly)

Gene: HCN4 (hyperpolarization activated cyclic nucleotide gated potassium channel 4; minus strand). Cytogenetic location: 15q24.1.
Variant type: single nucleotide variant.
Coding change: c.3106A>G on transcript NM_005477.3 (MANE Select); coding-DNA position 3106, A replaced by G.
Protein change: p.Arg1036Gly; replaces arginine 1036 with glycine.
Molecular consequence: missense variant.
Genome position (GRCh38, 1-based): chr15:73,322,987, T>C on the plus strand (A>G on the coding strand, the complement: HCN4 is on the minus strand). VCF-style: chr15-73322987-T-C. GRCh37 (hg19) VCF-style: chr15-73615328-T-C.
Other names: short protein forms R1036G.
Identifiers: ClinVar variation 1523211 (VCV001523211.7), dbSNP rs1477955790, ClinGen allele CA393086207.